The following is an entry in ClinVar:

ClinVar aggregate classification (germline): Likely benign. Review status: criteria provided, multiple submitters, no conflicts (2 of 4 stars). 2 submissions from 2 submitters: Likely benign (2). Last evaluated 2026-09-01.

Allele frequency attached by ClinVar (database versions not stated): gnomAD 0.00512; ESP Exome Variant Server 0.00523; TOPMed 0.00577; ExAC 0.00768; 1000 Genomes Project 30x 0.00297; 1000 Genomes Project 0.00300.
gnomAD v4.1: 11,623 of 1,593,590 alleles (0.73%); highest among the groups gnomAD compares: Non-Finnish European, 0.88%; 57 homozygotes.

Submissions (2):

CeGaT Center for Human Genetics Tuebingen
Classification: Likely benign. Last evaluated: 2026-09-01. Review status: criteria provided, single submitter. Criteria: CeGaT Center For Human Genetics Tuebingen Variant Classification Criteria Version 2. Collection method: clinical testing. Allele origin: germline. Affected: yes. Observed: 21 variant alleles.
Comment: DST: BP4, BP7, BS2

Blueprint Genetics
Classification: Likely benign. Last evaluated: 2023-03-20. Review status: criteria provided, single submitter. Criteria: ACMG Guidelines, 2015. Collection method: clinical testing. Allele origin: germline.

NM_001374736.1(DST):c.8340C>T (p.Ser2780=)

Gene: DST (dystonin; minus strand). Cytogenetic location: 6p12.1.
Variant type: single nucleotide variant.
Coding change: c.8340C>T on transcript NM_001374736.1 (MANE Select); coding-DNA position 8340, C replaced by T.
Protein change: p.Ser2780=; no amino-acid change (serine 2780 retained).
Molecular consequence: synonymous variant. On other transcripts: intron variant (6).
Genome position (GRCh38, 1-based): chr6:56,606,288, G>A on the plus strand (C>T on the coding strand, the complement: DST is on the minus strand). VCF-style: chr6-56606288-G-A. GRCh37 (hg19) VCF-style: chr6-56471086-G-A.
Other names: c.4650+4139C>T (NM_001386100.1, NM_183380.4, NM_001374730.1); c.3672+4139C>T (NM_015548.5); c.8340C>T, p.Ser2780= (NM_001374722.1); c.7707C>T, p.Ser2569= (NM_001374729.1); c.8367C>T, p.Ser2789= (NM_001374734.1); c.5184+4139C>T (NM_001144769.5); c.4770+4139C>T (NM_001144770.2).
Identifiers: ClinVar variation 2499013 (VCV002499013.29), dbSNP rs45617936, ClinGen allele CA3869236.